The following is an entry in ClinVar:

ClinVar aggregate classification (germline): Conflicting classifications of pathogenicity. Review status: criteria provided, conflicting classifications (1 of 4 stars). 4 submissions from 4 submitters: Uncertain significance (2); Likely benign (2). Last evaluated 2024-07-08.

Conditions:
Pyruvate carboxylase deficiency. Also called: ATAXIA WITH LACTIC ACIDOSIS II; Pyruvate Carboxylase Deficiency Disease; LEIGH NECROTIZING ENCEPHALOPATHY DUE TO PYRUVATE CARBOXYLASE DEFICIENCY; LEIGH SYNDROME DUE TO PYRUVATE CARBOXYLASE DEFICIENCY; PC DEFICIENCY. Identifiers: Orphanet 3008, MedGen C0034341, MONDO:0009949, OMIM 266150.

Allele frequency attached by ClinVar (database versions not stated): ExAC 0.00002; gnomAD 0.00002; gnomAD exomes 0.00002; TOPMed 0.00003.
gnomAD v4.1: 40 of 1,613,784 alleles (0.0025%); highest among the groups gnomAD compares: Middle Eastern, 0.033%; no homozygotes.

Submissions (4):

Blueprint Genetics
Classification: Likely benign. Last evaluated: 2024-07-08. Review status: criteria provided, single submitter. Criteria: ACMG Guidelines, 2015. Collection method: clinical testing. Allele origin: germline.

Women's Health and Genetics/Laboratory Corporation of America, LabCorp
Classification: Uncertain significance. Last evaluated: 2024-05-26. Review status: criteria provided, single submitter. Criteria: LabCorp Variant Classification Summary - May 2015. Collection method: clinical testing. Allele origin: germline.

CeGaT Center for Human Genetics Tuebingen
Classification: Likely benign. Last evaluated: 2022-10-01. Review status: criteria provided, single submitter. Criteria: CeGaT Center For Human Genetics Tuebingen Variant Classification Criteria Version 2. Collection method: clinical testing. Allele origin: germline. Affected: yes. Observed: 2 variant alleles.
Comment: PC: BP4

Labcorp Genetics (formerly Invitae), Labcorp
Classification: Uncertain significance for Pyruvate carboxylase deficiency. Last evaluated: 2022-04-05. Review status: criteria provided, single submitter. Criteria: Invitae Variant Classification Sherloc (09022015). Collection method: clinical testing. Allele origin: germline.
Comment: This sequence change falls in intron 21 of the PC gene. It does not directly change the encoded amino acid sequence of the PC protein. It affects a nucleotide within the consensus splice site. This variant is present in population databases (rs753961343, gnomAD 0.01%). This variant has not been reported in the literature in individuals affected with PC-related conditions. Variants that disrupt the consensus splice site are a relatively common cause of aberrant splicing (PMID: 17576681, 9536098). Algorithms developed to predict the effect of sequence changes on RNA splicing suggest that this variant is not likely to affect RNA splicing. In summary, the available evidence is currently insufficient to determine the role of this variant in disease. Therefore, it has been classified as a Variant of Uncertain Significance.

Literature cited by the submitters: PubMed 17576681 (cited by Labcorp Genetics (formerly Invitae), Labcorp); PubMed 9536098 (cited by Labcorp Genetics (formerly Invitae), Labcorp).

NM_001040716.2(PC):c.3288+4T>C

Gene: PC (pyruvate carboxylase; minus strand). Cytogenetic location: 11q13.2.
Variant type: single nucleotide variant.
Coding change: c.3288+4T>C on transcript NM_001040716.2 (MANE Select); 4 bases into the intron after coding-DNA position 3288, T replaced by C.
Molecular consequence: intron variant.
Genome position (GRCh38, 1-based): chr11:66,849,226, A>G on the plus strand (T>C on the coding strand, the complement: PC is on the minus strand). VCF-style: chr11-66849226-A-G. GRCh37 (hg19) VCF-style: chr11-66616697-A-G.
Other names: c.3288+4T>C (NM_000920.4, NM_022172.3).
Identifiers: ClinVar variation 2057390 (VCV002057390.27), dbSNP rs753961343, ClinGen allele CA6130846.